The following is an entry in ClinVar:

ClinVar aggregate classification (germline): Uncertain significance. Review status: criteria provided, multiple submitters, no conflicts (2 of 4 stars). 2 submissions from 2 submitters: Uncertain significance (2). Last evaluated 2025-10-14.

Conditions:
Hereditary cancer-predisposing syndrome. Also called: Hereditary Cancer Syndrome; Neoplastic Syndromes, Hereditary; Tumor predisposition; Hereditary neoplastic syndrome. Identifiers: Orphanet 140162, MedGen C0027672, MeSH D009386, MONDO:0015356.

Allele frequency attached by ClinVar (database versions not stated): gnomAD below 0.00001 and 0.00001; ExAC 0.00001; gnomAD exomes 0.00001 and 0.00002; TOPMed 0.00001.

Submissions (2):

Labcorp Genetics (formerly Invitae), Labcorp
Classification: Uncertain significance for Hereditary cancer-predisposing syndrome. Last evaluated: 2025-10-14. Review status: criteria provided, single submitter. Criteria: Invitae Variant Classification Sherloc (09022015). Collection method: clinical testing. Allele origin: germline.
Comment: This sequence change replaces arginine, which is basic and polar, with glutamine, which is neutral and polar, at codon 1093 of the RAD50 protein (p.Arg1093Gln). This variant is present in population databases (rs781612348, gnomAD 0.006%). This variant has not been reported in the literature in individuals affected with RAD50-related conditions. ClinVar contains an entry for this variant (Variation ID: 480409). Invitae Evidence Modeling of protein sequence and biophysical properties (such as structural, functional, and spatial information, amino acid conservation, physicochemical variation, residue mobility, and thermodynamic stability) indicates that this missense variant is not expected to disrupt RAD50 protein function with a negative predictive value of 80%. In summary, the available evidence is currently insufficient to determine the role of this variant in disease. Therefore, it has been classified as a Variant of Uncertain Significance.

Ambry Genetics
Classification: Uncertain significance for Hereditary cancer-predisposing syndrome. Last evaluated: 2024-06-07. Review status: criteria provided, single submitter. Criteria: Ambry Variant Classification Scheme 2023. Collection method: clinical testing. Allele origin: germline.
Comment: The p.R1093Q variant (also known as c.3278G>A), located in coding exon 21 of the RAD50 gene, results from a G to A substitution at nucleotide position 3278. The arginine at codon 1093 is replaced by glutamine, an amino acid with highly similar properties. This alteration was reported in a study of 1297 cases of early-onset breast cancer and 1121 controls (Young EL et al. J Med Genet, 2016 06;53:366-76). This amino acid position is well conserved in available vertebrate species. In addition, this alteration is predicted to be tolerated by in silico analysis. Since supporting evidence is limited at this time, the clinical significance of this alteration remains unclear.

Literature cited by the submitters: PubMed 26787654 (cited by Ambry Genetics).

NM_005732.4(RAD50):c.3278G>A (p.Arg1093Gln)

Gene: RAD50 (RAD50 double strand break repair protein; plus strand). Cytogenetic location: 5q31.1.
Variant type: single nucleotide variant.
Coding change: c.3278G>A on transcript NM_005732.4 (MANE Select); coding-DNA position 3278, G replaced by A.
Protein change: p.Arg1093Gln; replaces arginine 1093 with glutamine.
Molecular consequence: missense variant.
Genome position (GRCh38, 1-based): chr5:132,618,183, G>A. VCF-style: chr5-132618183-G-A. GRCh37 (hg19) VCF-style: chr5-131953875-G-A.
Other names: short protein forms R1093Q.
Identifiers: ClinVar variation 480409 (VCV000480409.15), dbSNP rs781612348, ClinGen allele CA3405549.